The following is an entry in ClinVar:

NM_032638.5(GATA2):c.1200_1216dup (p.Lys406fs)

Gene: GATA2 (GATA binding protein 2; minus strand). Cytogenetic location: 3q21.3.
Variant type: Duplication.
Coding change: c.1200_1216dup on transcript NM_032638.5 (MANE Select); coding-DNA positions 1200 to 1216, 17 bases duplicated (GTCCAACAAGTCCAAGA).
Protein change: p.Lys406fs; shifts the reading frame from lysine 406.
Molecular consequence: frameshift variant.
Genome position (GRCh38, 1-based): chr3:128,481,246-128,481,262, TCTTGGACTTGTTGGAC duplicated on the plus strand (GTCCAACAAGTCCAAGA on the coding strand, the reverse complement: GATA2 is on the minus strand). VCF-style (leftmost placement, unchanged base first): chr3-128481245-T-TTCTTGGACTTGTTGGAC. GRCh37 (hg19) VCF-style: chr3-128200088-T-TTCTTGGACTTGTTGGAC.
Other names: c.1200_1216dup, p.Lys406fs (NM_001145661.2); c.1158_1174dup, p.Lys392fs (NM_001145662.1); short protein forms K392fs, K406fs.
Identifiers: ClinVar variation 1184014 (VCV001184014.1), dbSNP rs2107668010, ClinGen allele CA2499216426.

ClinVar aggregate classification (germline): Pathogenic (1 of 4 stars; one submission).

Conditions:
Deafness-lymphedema-leukemia syndrome. Also called: Emberger syndrome; Lymphedema, primary, with myelodysplasia. Identifiers: Orphanet 3226, MedGen C3279664, MONDO:0013540, OMIM 614038.
GATA2 deficiency with susceptibility to MDS/AML. Identifiers: MedGen CN300066, MONDO:0042982.

Submission:

Molecular Pathology Research Laboratory, SA Pathology
Classification: Pathogenic for GATA2 deficiency with susceptibility to MDS/AML; Deafness-lymphedema-leukemia syndrome. Last evaluated: 2021-07-06. Review status: criteria provided, single submitter. Criteria: ACMG Guidelines, 2015. Collection method: curation. Allele origin: unknown. Inheritance: Autosomal dominant inheritance. Affected: yes. Observed: 1 variant allele.
Comment: PVS1, PS4_Supporting, PM2

Literature cited by the submitters: PubMed 31340620.